The following is an entry in ClinVar:

NM_001326342.2(CELF2):c.938_939del (p.Ser313fs)

Gene: CELF2 (CUGBP Elav-like family member 2; plus strand). Cytogenetic location: 10p14.
Variant type: Microsatellite.
Coding change: c.938_939del on transcript NM_001326342.2 (MANE Select); coding-DNA positions 938 to 939, 2 bases deleted (CT; older notation c.938_939delCT).
Protein change: p.Ser313fs; shifts the reading frame from serine 313.
Molecular consequence: frameshift variant.
Genome position (GRCh38, 1-based): chr10:11,288,514-11,288,515, CT deleted; deleting any 2 consecutive bases within chr10:11,288,508-11,288,515 gives the same sequence; the c. name uses the placement nearest the transcript's 3' end. VCF-style (leftmost placement, unchanged base first): chr10-11288507-CCT-C. GRCh37 (hg19) VCF-style: chr10-11330470-CCT-C.
Other names: c.845_846del, p.Ser282fs (NM_001025076.2, NM_001083591.1, NM_001326317.2 and 15 more transcripts); c.917_918del, p.Ser306fs (NM_001025077.3, NM_001326331.2, NM_001326332.2 and 4 more transcripts); c.1010_1011del, p.Ser337fs (NM_001326325.2); c.953_954del, p.Ser318fs (NM_001326326.2, NM_001326327.2); c.233_234del, p.Ser78fs (NM_001326333.2, NM_001326346.2); c.584_585del, p.Ser195fs (NM_001326338.2, NM_001326339.2); c.938_939del, p.Ser313fs (NM_001326340.2, NM_001326341.2, NM_001326343.2 and 4 more transcripts); c.869_870del, p.Ser290fs (NM_001326347.1); short protein forms S195fs, S282fs, S290fs, S306fs, S313fs, S318fs, S337fs, S78fs.
Identifiers: ClinVar variation 3338598 (VCV003338598.1).

ClinVar aggregate classification (germline): Likely pathogenic (1 of 4 stars; one submission).

Conditions:
Developmental and epileptic encephalopathy 97 (DEE97). Identifiers: MedGen C5561999, MONDO:0030453, OMIM 619561.

Submission:

Greenwood Genetic Center Diagnostic Laboratories, Greenwood Genetic Center
Classification: Likely pathogenic for Developmental and epileptic encephalopathy 97. Last evaluated: 2024-04-25. Review status: criteria provided, single submitter. Criteria: ACMG Guidelines, 2015. Collection method: clinical testing. Allele origin: germline. Affected: yes.
Comment: PVS1, PM2